The following is an entry in ClinVar:

ClinVar aggregate classification (germline): Benign/Likely benign. Review status: criteria provided, multiple submitters, no conflicts (2 of 4 stars). 3 submissions from 3 submitters: Benign (1); Likely benign (2). Last evaluated 2026-03-01.

Allele frequency attached by ClinVar (database versions not stated): ESP Exome Variant Server 0.00292; TOPMed 0.00368; 1000 Genomes Project 30x 0.00390; 1000 Genomes Project 0.00399.
gnomAD v4.1: 937 of 1,614,068 alleles (0.058%); highest among the groups gnomAD compares: African/African-American, 1.1%; 12 homozygotes.

Submissions (3):

CeGaT Center for Human Genetics Tuebingen
Classification: Likely benign. Last evaluated: 2026-03-01. Review status: criteria provided, single submitter. Criteria: CeGaT Center For Human Genetics Tuebingen Variant Classification Criteria Version 2. Collection method: clinical testing. Allele origin: germline. Affected: yes. Observed: 2 variant alleles.
Comment: GRIA1: BP4, BP7, BS1

Blueprint Genetics
Classification: Likely benign. Last evaluated: 2024-09-20. Review status: criteria provided, single submitter. Criteria: ACMG Guidelines, 2015. Collection method: clinical testing. Allele origin: germline.

Labcorp Genetics (formerly Invitae), Labcorp
Classification: Benign. Last evaluated: 2018-06-19. Review status: criteria provided, single submitter. Criteria: Invitae Variant Classification Sherloc (09022015). Collection method: clinical testing. Allele origin: germline.

NM_000827.4(GRIA1):c.741C>A (p.Gly247=)

Gene: GRIA1 (glutamate ionotropic receptor AMPA type subunit 1; plus strand). Cytogenetic location: 5q33.2.
Variant type: single nucleotide variant.
Coding change: c.741C>A on transcript NM_000827.4 (MANE Select); coding-DNA position 741, C replaced by A.
Protein change: p.Gly247=; no amino-acid change (glycine 247 retained).
Molecular consequence: synonymous variant. On other transcripts: non-coding transcript variant (2).
Genome position (GRCh38, 1-based): chr5:153,674,541, C>A. VCF-style: chr5-153674541-C-A. GRCh37 (hg19) VCF-style: chr5-153054101-C-A.
Other names: c.741C>A, p.Gly247= (NM_001114183.2, NM_001364165.2); c.501C>A, p.Gly167= (NM_001258019.2); c.456C>A, p.Gly152= (NM_001258020.2); c.771C>A, p.Gly257= (NM_001258021.2, NM_001258022.2); c.534C>A, p.Gly178= (NM_001258023.1, NM_001364167.2); c.768C>A, p.Gly256= (NM_001364166.2).
Identifiers: ClinVar variation 720943 (VCV000720943.8), dbSNP rs150626993, ClinGen allele CA3524406.